The following is an entry in ClinVar:

ClinVar aggregate classification (germline): Uncertain significance (1 of 4 stars; one submission).

Conditions:
Catecholaminergic polymorphic ventricular tachycardia 1. Also called: VENTRICULAR TACHYCARDIA, CATECHOLAMINERGIC POLYMORPHIC, 1, WITH OR WITHOUT ATRIAL DYSFUNCTION AND/OR DILATED CARDIOMYOPATHY; RYR2-Related Catecholaminergic Polymorphic Ventricular Tachycardia; VENTRICULAR TACHYCARDIA, STRESS-INDUCED POLYMORPHIC 1. Identifiers: Orphanet 3286, MedGen C1631597, MONDO:0011484, OMIM 604772.

Submission:

Labcorp Genetics (formerly Invitae), Labcorp
Classification: Uncertain significance for Catecholaminergic polymorphic ventricular tachycardia 1. Last evaluated: 2021-08-29. Review status: criteria provided, single submitter. Criteria: Invitae Variant Classification Sherloc (09022015). Collection method: clinical testing. Allele origin: germline.
Comment: This variant is an in-frame deletion of the genomic region encompassing exons 8-9 of the TRDN gene. It preserves the integrity of the reading frame. This variant has not been reported in the literature in individuals with TRDN-related conditions. In summary, the available evidence is currently insufficient to determine the role of this variant in disease. Therefore, it has been classified as a Variant of Uncertain Significance.

NC_000006.11:g.(?_123818318)_(123825066_?)del

Gene: TRDN (triadin; minus strand). Cytogenetic location: 6q22.31.
Variant type: Deletion.
Identifiers: ClinVar variation 2425503 (VCV002425503.3).